The following is an entry in ClinVar:

ClinVar aggregate classification (germline): Conflicting classifications of pathogenicity. Review status: criteria provided, conflicting classifications (1 of 4 stars). 12 submissions from 12 submitters: Uncertain significance (1); Benign (3); Likely benign (5). 3 of the submissions do not count toward it. Last evaluated 2026-01-31.

Conditions:
CDH1-related disorder. Also called: CDH1-related condition.
Hereditary cancer-predisposing syndrome. Also called: Tumor predisposition; Neoplastic Syndromes, Hereditary; Hereditary Cancer Syndrome; Hereditary neoplastic syndrome. Identifiers: Orphanet 140162, MedGen C0027672, MeSH D009386, MONDO:0015356.
Hereditary diffuse gastric adenocarcinoma (HDGC). Also called: DIFFUSE GASTRIC AND LOBULAR BREAST CANCER SYNDROME. Identifiers: Orphanet 26106, MedGen C1708349, MONDO:0007648, OMIM 137215.

Allele frequency attached by ClinVar (database versions not stated): TOPMed 0.00002; gnomAD exomes 0.00005; gnomAD 0.00001.
gnomAD v4.1: 15 of 1,535,538 alleles (0.00098%); highest among the groups gnomAD compares: Non-Finnish European, 0.0011%; no homozygotes.

Submissions (12):

Labcorp Genetics (formerly Invitae), Labcorp
Classification: Likely benign for Hereditary diffuse gastric adenocarcinoma. Last evaluated: 2026-01-31. Review status: criteria provided, single submitter. Criteria: Invitae Variant Classification Sherloc (09022015). Collection method: clinical testing. Allele origin: germline.

Center for Genomic Medicine, Rigshospitalet, Copenhagen University Hospital
Classification: Likely benign. Last evaluated: 2025-03-04. Review status: criteria provided, single submitter. Criteria: ACMG Guidelines, 2015. Collection method: clinical testing. Allele origin: germline.

Myriad Genetics, Inc.
Classification: Benign for Hereditary diffuse gastric adenocarcinoma. Last evaluated: 2024-09-10. Review status: criteria provided, single submitter. Criteria: Myriad Autosomal Dominant, Autosomal Recessive and X-Linked Classification Criteria (2023). Collection method: clinical testing. Allele origin: unknown.
Comment: This variant is considered benign. This variant is a silent/synonymous amino acid change and it is not expected to impact splicing.

CeGaT Center for Human Genetics Tuebingen
Classification: Likely benign. Last evaluated: 2024-01-01. Review status: criteria provided, single submitter. Criteria: CeGaT Center For Human Genetics Tuebingen Variant Classification Criteria Version 2. Collection method: clinical testing. Allele origin: germline. Affected: yes. Observed: 2 variant alleles.
Comment: CDH1: BP4, BP7

European Reference Network on Genetic Tumour Risk Syndromes (ERN-GENTURIS), i3s - Instituto de Investigação e Inovação em Saúde, University of Porto
Classification: Uncertain significance for Hereditary diffuse gastric adenocarcinoma. Last evaluated: 2022-08-01. Review status: criteria provided, single submitter. Criteria: Lee et al. (Hum Mutat. 2018). Collection method: clinical testing. Allele origin: germline. Inheritance: Autosomal dominant inheritance. Study: ERN GENTURIS.
Comment: Not applicable criteria (PMID: 30311375)

Quest Diagnostics Nichols Institute San Juan Capistrano
Classification: Benign. Last evaluated: 2020-11-05. Review status: criteria provided, single submitter. Criteria: Quest Diagnostics criteria. Collection method: clinical testing. Allele origin: unknown.

Color Diagnostics, LLC DBA Color Health
Classification: Likely benign for Hereditary cancer-predisposing syndrome. Last evaluated: 2015-08-26. Review status: criteria provided, single submitter. Criteria: ACMG Guidelines, 2015. Collection method: clinical testing. Allele origin: germline.

GeneDx
Classification: Benign. Last evaluated: 2015-05-04. Review status: criteria provided, single submitter. Criteria: GeneDx Variant Classification Process June 2021. Collection method: clinical testing. Allele origin: germline. Affected: yes.

Ambry Genetics
Classification: Likely benign for Hereditary cancer-predisposing syndrome. Last evaluated: 2015-01-02. Review status: criteria provided, single submitter. Criteria: Ambry Variant Classification Scheme 2023. Collection method: clinical testing. Allele origin: germline.

PreventionGenetics, part of Exact Sciences
Classification: Likely benign for CDH1-related condition. Last evaluated: 2020-02-26. Review status: no assertion criteria provided. Collection method: clinical testing. Allele origin: germline. Not counted in ClinVar's aggregate classification.
Comment: This variant is classified as likely benign based on ACMG/AMP sequence variant interpretation guidelines (Richards et al. 2015 PMID: 25741868, with internal and published modifications).

Diagnostic Laboratory, Department of Genetics, University Medical Center Groningen
Classification: Likely benign. Review status: no assertion criteria provided. Collection method: clinical testing. Allele origin: germline. Affected: yes. Study: VKGL Data-share Consensus. Not counted in ClinVar's aggregate classification.

Genome Diagnostics Laboratory, Amsterdam University Medical Center
Classification: Likely benign. Review status: no assertion criteria provided. Collection method: clinical testing. Allele origin: germline. Affected: yes. Study: VKGL Data-share Consensus. Not counted in ClinVar's aggregate classification.

Literature cited by the submitters: PubMed 36436516 (cited by European Reference Network on Genetic Tumour Risk Syndromes (ERN-GENTURIS), i3s - Instituto de Investigação e Inovação em Saúde, University of Porto).

NM_004360.5(CDH1):c.27G>A (p.Ser9=)

Gene: CDH1 (cadherin 1; plus strand). Cytogenetic location: 16q22.1.
Variant type: single nucleotide variant.
Coding change: c.27G>A on transcript NM_004360.5 (MANE Select); coding-DNA position 27, G replaced by A.
Protein change: p.Ser9=; no amino-acid change (serine 9 retained).
Molecular consequence: synonymous variant. On other transcripts: 5 prime UTR variant (2).
Genome position (GRCh38, 1-based): chr16:68,737,442, G>A. VCF-style: chr16-68737442-G-A. GRCh37 (hg19) VCF-style: chr16-68771345-G-A.
Other names: c.27G>A (LRG_301t1); c.27G>A, p.Ser9= (NM_001317184.2); c.-1589G>A (NM_001317185.2); c.-1793G>A (NM_001317186.2).
Identifiers: ClinVar variation 184065 (VCV000184065.57), dbSNP rs786201257, ClinGen allele CA187673.